The following is an entry in ClinVar:

ClinVar aggregate classification (germline): Conflicting classifications of pathogenicity. Review status: criteria provided, conflicting classifications (1 of 4 stars). 3 submissions from 3 submitters: Uncertain significance (2); Likely benign (1). Last evaluated 2025-04-17.

Conditions:
Progressive myoclonic epilepsy type 9. Identifiers: Orphanet 457265, MedGen C4225289, MONDO:0014685, OMIM 616540.
Lipodystrophy, partial, acquired, susceptibility to (APLD). Also called: APLD, SUSCEPTIBILITY TO. Identifiers: MedGen C3887501, MONDO:0100476, OMIM 608709.

Allele frequency attached by ClinVar (database versions not stated): gnomAD 0.00003 and 0.00004; TOPMed 0.00005; ESP Exome Variant Server 0.00008; ExAC 0.00015.

Submissions (3):

Ambry Genetics
Classification: Uncertain significance. Last evaluated: 2025-04-17. Review status: criteria provided, single submitter. Criteria: Ambry Variant Classification Scheme 2023. Collection method: clinical testing. Allele origin: germline.

Labcorp Genetics (formerly Invitae), Labcorp
Classification: Likely benign for Progressive myoclonic epilepsy type 9; Lipodystrophy, partial, acquired, susceptibility to. Last evaluated: 2024-08-18. Review status: criteria provided, single submitter. Criteria: Invitae Variant Classification Sherloc (09022015). Collection method: clinical testing. Allele origin: germline.

CeGaT Center for Human Genetics Tuebingen
Classification: Uncertain significance. Last evaluated: 2023-12-01. Review status: criteria provided, single submitter. Criteria: CeGaT Center For Human Genetics Tuebingen Variant Classification Criteria Version 2. Collection method: clinical testing. Allele origin: germline. Affected: yes. Observed: 1 variant allele.
Comment: LMNB2: PM2, BP4

NM_032737.4(LMNB2):c.1750C>T (p.Arg584Cys)

Gene: LMNB2 (lamin B2; minus strand). Cytogenetic location: 19p13.3.
Variant type: single nucleotide variant.
Coding change: c.1750C>T on transcript NM_032737.4 (MANE Select); coding-DNA position 1750, C replaced by T.
Protein change: p.Arg584Cys; replaces arginine 584 with cysteine.
Molecular consequence: missense variant.
Genome position (GRCh38, 1-based): chr19:2,431,619, G>A on the plus strand (C>T on the coding strand, the complement: LMNB2 is on the minus strand). VCF-style: chr19-2431619-G-A. GRCh37 (hg19) VCF-style: chr19-2431617-G-A.
Other names: c.1690C>T (NM_032737.2); short protein forms R584C.
Identifiers: ClinVar variation 647572 (VCV000647572.34), dbSNP rs201873197, ClinGen allele CA9067315.
Genomic context (GRCh38, chr19:2,431,619, plus strand): 5'-AAAGATCCTCCTCGCCAAACTCGGCTTCCTCCTCCTCTTCCTCCCCATTCTCATTCTCAC[G>A]CATCACCGAGGACTTCTTCACAGTCCTCATGGCCACTTCCTGTGCGGGACAGGACACGGC-3'
Protein context (NP_116126.3, residues 574-594): MRTVKKSSVM[Arg584Cys]ENENGEEEEE